The following is an entry in ClinVar:

ClinVar aggregate classification (germline): Uncertain significance (1 of 4 stars; one submission).

Conditions:
Lethal multiple pterygium syndrome (LMPS). Identifiers: Orphanet 33108, MedGen C1854678, MONDO:0009668, OMIM 253290.

Allele frequency attached by ClinVar (database versions not stated): gnomAD exomes below 0.00001.

Submission:

Labcorp Genetics (formerly Invitae), Labcorp
Classification: Uncertain significance for Lethal multiple pterygium syndrome. Last evaluated: 2023-02-11. Review status: criteria provided, single submitter. Criteria: Invitae Variant Classification Sherloc (09022015). Collection method: clinical testing. Allele origin: germline.
Comment: This sequence change replaces alanine, which is neutral and non-polar, with valine, which is neutral and non-polar, at codon 57 of the CHRND protein (p.Ala57Val). This variant is not present in population databases (gnomAD no frequency). This variant has not been reported in the literature in individuals affected with CHRND-related conditions. Advanced modeling of protein sequence and biophysical properties (such as structural, functional, and spatial information, amino acid conservation, physicochemical variation, residue mobility, and thermodynamic stability) performed at Invitae indicates that this missense variant is not expected to disrupt CHRND protein function. In summary, the available evidence is currently insufficient to determine the role of this variant in disease. Therefore, it has been classified as a Variant of Uncertain Significance.

NM_000751.3(CHRND):c.170C>T (p.Ala57Val)

Gene: CHRND (cholinergic receptor nicotinic delta subunit; plus strand). Cytogenetic location: 2q37.1.
Variant type: single nucleotide variant.
Coding change: c.170C>T on transcript NM_000751.3 (MANE Select); coding-DNA position 170, C replaced by T.
Protein change: p.Ala57Val; replaces alanine 57 with valine.
Molecular consequence: missense variant. On other transcripts: 5 prime UTR variant (2).
Genome position (GRCh38, 1-based): chr2:232,526,646, C>T. VCF-style: chr2-232526646-C-T. GRCh37 (hg19) VCF-style: chr2-233391356-C-T.
Other names: c.170C>T, p.Ala57Val (NM_001256657.2); c.-102C>T (NM_001311195.2, NM_001311196.2); short protein forms A57V.
Identifiers: ClinVar variation 2899436 (VCV002899436.3), dbSNP rs2469713785, ClinGen allele CA350996158.